The following is an entry in ClinVar:

ClinVar aggregate classification (germline): Uncertain significance (1 of 4 stars; one submission).

Allele frequency attached by ClinVar (database versions not stated): ExAC 0.00001; TOPMed 0.00004; gnomAD 0.00005; gnomAD exomes 0.00005.
gnomAD v4.1: 78 of 1,613,844 alleles (0.0048%); highest among the groups gnomAD compares: Non-Finnish European, 0.0063%; no homozygotes.

Submission:

Labcorp Genetics (formerly Invitae), Labcorp
Classification: Uncertain significance. Last evaluated: 2022-04-25. Review status: criteria provided, single submitter. Criteria: Invitae Variant Classification Sherloc (09022015). Collection method: clinical testing. Allele origin: germline.
Comment: This sequence change replaces threonine, which is neutral and polar, with alanine, which is neutral and non-polar, at codon 610 of the PCDH12 protein (p.Thr610Ala). This variant is present in population databases (rs745405181, gnomAD 0.004%). This variant has not been reported in the literature in individuals affected with PCDH12-related conditions. Advanced modeling of protein sequence and biophysical properties (such as structural, functional, and spatial information, amino acid conservation, physicochemical variation, residue mobility, and thermodynamic stability) performed at Invitae indicates that this missense variant is not expected to disrupt PCDH12 protein function. In summary, the available evidence is currently insufficient to determine the role of this variant in disease. Therefore, it has been classified as a Variant of Uncertain Significance.

NM_016580.4(PCDH12):c.1828A>G (p.Thr610Ala)

Genes: PCDH12 (protocadherin 12; minus strand), RNF14 (ring finger protein 14; plus strand). Cytogenetic location: 5q31.3.
Variant type: single nucleotide variant.
Coding change: c.1828A>G on transcript NM_016580.4 (MANE Select); coding-DNA position 1828, A replaced by G.
Protein change: p.Thr610Ala; replaces threonine 610 with alanine.
Molecular consequence: missense variant.
Genome position (GRCh38, 1-based): chr5:141,956,024, T>C on the plus strand (A>G on the coding strand, the complement: PCDH12 is on the minus strand). VCF-style: chr5-141956024-T-C. GRCh37 (hg19) VCF-style: chr5-141335589-T-C.
Other names: short protein forms T610A.
Identifiers: ClinVar variation 2184121 (VCV002184121.1), dbSNP rs745405181, ClinGen allele CA3484334.